The following is an entry in ClinVar:

NM_000548.5(TSC2):c.1851C>G (p.Phe617Leu)

Gene: TSC2 (TSC complex subunit 2; plus strand). Cytogenetic location: 16p13.3.
Variant type: single nucleotide variant.
Coding change: c.1851C>G on transcript NM_000548.5 (MANE Select); coding-DNA position 1851, C replaced by G.
Protein change: p.Phe617Leu; replaces phenylalanine 617 with leucine.
Molecular consequence: missense variant.
Genome position (GRCh38, 1-based): chr16:2,071,521, C>G. VCF-style: chr16-2071521-C-G. GRCh37 (hg19) VCF-style: chr16-2121522-C-G.
Other names: c.1851C>G, p.Phe617Leu (NM_001077183.3, NM_001114382.3, NM_001363528.2 and 3 more transcripts); c.1740C>G, p.Phe580Leu (NM_001318827.2); c.1704C>G, p.Phe568Leu (NM_001318829.2); c.1251C>G, p.Phe417Leu (NM_001318831.2); c.1884C>G, p.Phe628Leu (NM_001318832.2); short protein forms F568L, F617L, F628L, F417L, F580L.
Identifiers: ClinVar variation 850081 (VCV000850081.10), dbSNP rs1446662814, ClinGen allele CA394273053.
Genomic context (GRCh38, chr16:2,071,521, plus strand): 5'-TGGGCCTGCACGAGCTTGGCTCTGGCTTTCACCATCCTCTTCCTGACAGGCCTTTGACTT[C>G]CTGTTGCTGCTGCGGGCCGACTCACTGCACCGCCTGGGCCTGCCCAACAAGGATGGAGTC-3'
Protein context (NP_000539.2, residues 607-627): ASSIRLQAFD[Phe617Leu]LLLLRADSLH

ClinVar aggregate classification (germline): Uncertain significance. Review status: criteria provided, multiple submitters, no conflicts (2 of 4 stars). 2 submissions from 2 submitters: Uncertain significance (2). Last evaluated 2024-07-10.

Conditions:
Tuberous sclerosis syndrome (TSC). Also called: Tuberous Sclerosis Complex; Tuberous sclerosis. Identifiers: Orphanet 805, MedGen C0041341, MONDO:0001734.
Tuberous sclerosis 2 (TSC2). Identifiers: Orphanet 805, MedGen C1860707, MONDO:0013199, OMIM 613254.

Submissions (2):

All of Us Research Program, National Institutes of Health
Classification: Uncertain significance for Tuberous sclerosis syndrome. Last evaluated: 2024-07-10. Review status: criteria provided, single submitter. Criteria: ACMG Guidelines, 2015. Collection method: clinical testing. Allele origin: germline. Inheritance: Autosomal dominant inheritance. Observed: 1 variant allele, 1 heterozygote.
Comment: This missense variant replaces phenylalanine with leucine at codon 617 of the TSC2 protein. Computational prediction suggests that this variant may have deleterious impact on protein structure and function (internally defined REVEL score threshold >= 0.7, PMID: 27666373). To our knowledge, functional studies have not been reported for this variant. This variant has not been reported in individuals affected with TSC2-related disorders in the literature. This variant has not been identified in the general population by the Genome Aggregation Database (gnomAD). The available evidence is insufficient to determine the role of this variant in disease conclusively. Therefore, this variant is classified as a Variant of Uncertain Significance.

This study involves interpretation of variants in research participants for the purpose of population health screening. Participant phenotype was not available at the time of variant classification. Additional details can be found in publication PMID: 35346344, PMCID: PMC8962531

Labcorp Genetics (formerly Invitae), Labcorp
Classification: Uncertain significance for Tuberous sclerosis 2. Last evaluated: 2022-05-14. Review status: criteria provided, single submitter. Criteria: Invitae Variant Classification Sherloc (09022015). Collection method: clinical testing. Allele origin: germline.
Comment: ClinVar contains an entry for this variant (Variation ID: 850081). In summary, the available evidence is currently insufficient to determine the role of this variant in disease. Therefore, it has been classified as a Variant of Uncertain Significance. Advanced modeling of protein sequence and biophysical properties (such as structural, functional, and spatial information, amino acid conservation, physicochemical variation, residue mobility, and thermodynamic stability) performed at Invitae indicates that this missense variant is not expected to disrupt TSC2 protein function. This variant has not been reported in the literature in individuals affected with TSC2-related conditions. This variant is not present in population databases (gnomAD no frequency). This sequence change replaces phenylalanine, which is neutral and non-polar, with leucine, which is neutral and non-polar, at codon 617 of the TSC2 protein (p.Phe617Leu).